The following is an entry in ClinVar:

ClinVar aggregate classification (germline): Benign/Likely benign. Review status: criteria provided, multiple submitters, no conflicts (2 of 4 stars). 7 submissions from 7 submitters: Benign (5); Likely benign (1). 1 of the submissions does not count toward it. Last evaluated 2026-01-28.

Conditions:
X-linked intellectual disability, Cantagrel type (XLID98). Also called: INTELLECTUAL DEVELOPMENTAL DISORDER, X-LINKED 98. Identifiers: Orphanet 85277, MedGen C3806730, MONDO:0010483, OMIM 300912.

Allele frequency attached by ClinVar (database versions not stated): gnomAD exomes 0.00065 and 0.00194; ExAC 0.00287; gnomAD 0.00666 and 0.00705; TOPMed 0.00742; 1000 Genomes Project 0.00795; 1000 Genomes Project 30x 0.00853; ESP Exome Variant Server 0.01022.
gnomAD v4.1: 1,494 of 1,207,568 alleles (0.12%); highest among the groups gnomAD compares: African/African-American, 2.3%; 16 homozygotes.

Submissions (7):

Labcorp Genetics (formerly Invitae), Labcorp
Classification: Benign. Last evaluated: 2026-01-28. Review status: criteria provided, single submitter. Criteria: Invitae Variant Classification Sherloc (09022015). Collection method: clinical testing. Allele origin: germline.

Athena Diagnostics
Classification: Benign. Last evaluated: 2024-09-25. Review status: criteria provided, single submitter. Criteria: Athena Diagnostics Criteria. Collection method: clinical testing. Allele origin: unknown.

ARUP Laboratories, Molecular Genetics and Genomics, ARUP Laboratories
Classification: Benign for X-linked intellectual disability, Cantagrel type. Last evaluated: 2024-09-17. Review status: criteria provided, single submitter. Criteria: ARUP Molecular Germline Variant Investigation Process 2024. Collection method: clinical testing. Allele origin: germline.

GeneDx
Classification: Benign. Last evaluated: 2020-08-10. Review status: criteria provided, single submitter. Criteria: GeneDx Variant Classification Process June 2021. Collection method: clinical testing. Allele origin: germline. Affected: yes.

Center for Pediatric Genomic Medicine, Children's Mercy Hospital and Clinics
Classification: Likely benign. Last evaluated: 2017-01-02. Review status: criteria provided, single submitter. Criteria: ACMG Guidelines, 2015. Collection method: clinical testing. Allele origin: germline.
ClinVar note: Converted during submission from Likely Benign to Likely benign.

Ambry Genetics
Classification: Benign. Last evaluated: 2014-11-24. Review status: criteria provided, single submitter. Criteria: Ambry Variant Classification Scheme 2023. Collection method: clinical testing. Allele origin: germline.

Genetic Services Laboratory, University of Chicago
Classification: Likely benign for AllHighlyPenetrant. Review status: no assertion criteria provided. Collection method: clinical testing. Allele origin: germline. Inheritance: X-linked inheritance. Not counted in ClinVar's aggregate classification.
Comment: Likely benign based on allele frequency in 1000 Genomes Project or ESP global frequency and its presence in a patient with a rare or unrelated disease phenotype. NOT Sanger confirmed.

NM_001008537.3(NEXMIF):c.151C>A (p.Pro51Thr)

Gene: NEXMIF (neurite extension and migration factor; minus strand). Cytogenetic location: Xq13.3.
Variant type: single nucleotide variant.
Coding change: c.151C>A on transcript NM_001008537.3 (MANE Select); coding-DNA position 151, C replaced by A.
Protein change: p.Pro51Thr; replaces proline 51 with threonine.
Molecular consequence: missense variant.
Genome position (GRCh38, 1-based): chrX:74,744,406, G>T on the plus strand (C>A on the coding strand, the complement: NEXMIF is on the minus strand). VCF-style: chrX-74744406-G-T. GRCh37 (hg19) VCF-style: chrX-73964241-G-T.
Other names: short protein forms P51T.
Identifiers: ClinVar variation 129382 (VCV000129382.27), dbSNP rs145018752, ClinGen allele CA153344.